The following is an entry in ClinVar:

NM_001999.4(FBN2):c.2095+2_2095+7del

Gene: FBN2 (fibrillin 2; minus strand). Cytogenetic location: 5q23.3.
Variant type: Deletion.
Coding change: c.2095+2_2095+7del on transcript NM_001999.4 (MANE Select); the canonical splice donor site of the intron after coding-DNA position 2095 through 7 bases into the intron after coding-DNA position 2095, 6 bases deleted (TAAGTG; older notation c.2095+2_2095+7delTAAGTG).
Molecular consequence: splice donor variant.
Genome position (GRCh38, 1-based): chr5:128,374,621-128,374,626, CACTTA deleted on the plus strand (TAAGTG on the coding strand, the reverse complement: FBN2 is on the minus strand); deleting any 6 consecutive bases within chr5:128,374,621-128,374,627 gives the same sequence; the c. name uses the placement nearest the transcript's 3' end. VCF-style (leftmost placement, unchanged base first): chr5-128374620-TCACTTA-T. GRCh37 (hg19) VCF-style: chr5-127710313-TCACTTA-T.
Other names: c.2095+2_2095+7delTAAGTG (NM_001999.3).
Identifiers: ClinVar variation 850293 (VCV000850293.13), dbSNP rs1752033073, ClinGen allele CA916082756.

ClinVar aggregate classification (germline): Uncertain significance. Review status: criteria provided, multiple submitters, no conflicts (2 of 4 stars). 4 submissions from 4 submitters: Uncertain significance (4). Last evaluated 2025-06-25.

Conditions:
Congenital contractural arachnodactyly (CCA). Also called: BEALS SYNDROME; Beals-Hecht syndrome; Arthrogryposis, distal, type 9. Identifiers: Orphanet 115, MedGen C0220668, MONDO:0007363, OMIM 121050.
Macular degeneration, early-onset (EOMD). Identifiers: MedGen C4015286, MONDO:0014501, OMIM 616118.
Familial thoracic aortic aneurysm and aortic dissection (TAAD). Also called: Thoracic aortic aneurysms and dissections. Identifiers: Orphanet 91387, MedGen C4707243, MONDO:0019625.

Submissions (4):

Ambry Genetics
Classification: Uncertain significance for Familial thoracic aortic aneurysm and aortic dissection. Last evaluated: 2025-06-25. Review status: criteria provided, single submitter. Criteria: Ambry Variant Classification Scheme 2023. Collection method: clinical testing. Allele origin: germline.
Comment: The c.2095+2_2095+7delTAAGTG intronic variant results from a deletion of 6 nucleotides between positions +2 and +7 and involves the canonical splice donor site after coding exon 15 of the FBN2 gene. The canonical splice donor site is highly conserved in available vertebrate species. In silico splice site analysis predicts that this alteration will weaken the native splice donor site. Alterations that disrupt the canonical splice site are expected to cause aberrant splicing, resulting in an abnormal protein or a transcript that is subject to nonsense-mediated mRNA decay. However, loss of function of FBN2 has not been clearly established as a mechanism of disease. Since supporting evidence is limited at this time, the clinical significance of this alteration remains unclear.

Labcorp Genetics (formerly Invitae), Labcorp
Classification: Uncertain significance for Congenital contractural arachnodactyly. Last evaluated: 2025-05-01. Review status: criteria provided, single submitter. Criteria: Invitae Variant Classification Sherloc (09022015). Collection method: clinical testing. Allele origin: germline.
Comment: This sequence change affects a splice site in intron 15 of the FBN2 gene. It is expected to disrupt RNA splicing. Variants that disrupt the donor or acceptor splice site typically lead to a loss of protein function (PMID: 16199547), however the current clinical and genetic evidence is not sufficient to establish whether loss-of-function variants in FBN2 cause disease. This variant is not present in population databases (gnomAD no frequency). Disruption of this splice site has been observed in individual(s) with clinical features of congenital contractural arachnodactyly (internal data). ClinVar contains an entry for this variant (Variation ID: 850293). Algorithms developed to predict the effect of sequence changes on RNA splicing suggest that this variant may disrupt the consensus splice site. In summary, the available evidence is currently insufficient to determine the role of this variant in disease. Therefore, it has been classified as a Variant of Uncertain Significance.

Fulgent Genetics
Classification: Uncertain significance for Congenital contractural arachnodactyly; Macular degeneration, early-onset. Last evaluated: 2024-02-14. Review status: criteria provided, single submitter. Criteria: ACMG Guidelines, 2015. Collection method: clinical testing. Allele origin: germline.

Blueprint Genetics
Classification: Uncertain significance. Last evaluated: 2022-02-21. Review status: criteria provided, single submitter. Criteria: ACMG Guidelines, 2015. Collection method: clinical testing. Allele origin: germline.

Literature cited by the submitters: PubMed 16199547 (cited by Labcorp Genetics (formerly Invitae), Labcorp).